The following is an entry in ClinVar:

ClinVar aggregate classification (germline): Benign. Review status: criteria provided, multiple submitters, no conflicts (2 of 4 stars). 4 submissions from 4 submitters: Benign (4). Last evaluated 2026-02-03.

Allele frequency attached by ClinVar (database versions not stated): gnomAD exomes 0.03986 and 0.05793; ExAC 0.07344; gnomAD 0.10141 and 0.10408; TOPMed 0.11104; ESP Exome Variant Server 0.11171; 1000 Genomes Project 0.12212; 1000 Genomes Project 30x 0.12903.
gnomAD v4.1: 54,630 of 1,181,367 alleles (4.6%); highest among the groups gnomAD compares: African/African-American, 26%; 2,109 homozygotes.

Submissions (4):

Labcorp Genetics (formerly Invitae), Labcorp
Classification: Benign. Last evaluated: 2026-02-03. Review status: criteria provided, single submitter. Criteria: Invitae Variant Classification Sherloc (09022015). Collection method: clinical testing. Allele origin: germline.

Mayo Clinic Laboratories, Mayo Clinic
Classification: Benign. Last evaluated: 2022-04-26. Review status: criteria provided, single submitter. Criteria: ACMG Guidelines, 2015. Collection method: clinical testing. Allele origin: germline. Observed: 12 variant alleles.

GeneDx
Classification: Benign. Last evaluated: 2017-09-15. Review status: criteria provided, single submitter. Criteria: GeneDx Variant Classification (06012015). Collection method: clinical testing. Allele origin: germline. Affected: yes.
Comment: This variant is considered likely benign or benign based on one or more of the following criteria: it is a conservative change, it occurs at a poorly conserved position in the protein, it is predicted to be benign by multiple in silico algorithms, and/or has population frequency not consistent with disease.

Breakthrough Genomics
Classification: Benign. Review status: criteria provided, single submitter. Criteria: ACMG Guidelines, 2015. Collection method: not provided. Allele origin: germline. Inheritance: X-linked inheritance. Affected: yes.

NM_005032.7(PLS3):c.1294T>C (p.Leu432=)

Gene: PLS3 (plastin 3; plus strand). Cytogenetic location: Xq23.
Variant type: single nucleotide variant.
Coding change: c.1294T>C on transcript NM_005032.7 (MANE Select); coding-DNA position 1294, T replaced by C.
Protein change: p.Leu432=; no amino-acid change (leucine 432 retained).
Molecular consequence: synonymous variant.
Genome position (GRCh38, 1-based): chrX:115,646,103, T>C. VCF-style: chrX-115646103-T-C. GRCh37 (hg19) VCF-style: chrX-114880423-T-C.
Other names: p.Leu432=; c.1294T>C, p.Leu432= (NM_001136025.5); c.1213T>C, p.Leu405= (NM_001172335.3); c.1255T>C, p.Leu419= (NM_001282337.2); c.1159T>C, p.Leu387= (NM_001282338.2).
Identifiers: ClinVar variation 516190 (VCV000516190.11), dbSNP rs871774, ClinGen allele CA10497049.
Genomic context (GRCh38, chrX:115,646,103, plus strand): 5'-CACTGATTACATTATTTTTAAATCATTAGTGACCTGCAAGATGCCCTGGTAATCTTACAG[T>C]TATATGAACGAATTAAAGTTCCTGTTGACTGGAGTAAGGTTAATAAACCTCCATACCCGA-3'
Protein context (NP_005023.2, residues 422-442): DLQDALVILQ[Leu432=]YERIKVPVDW